The following is an entry in ClinVar:

NM_001130009.3(GEN1):c.1264+6T>C

Gene: GEN1 (GEN1 structure-specific endonuclease; plus strand). Cytogenetic location: 2p24.2.
Variant type: single nucleotide variant.
Coding change: c.1264+6T>C on transcript NM_001130009.3 (MANE Select); 6 bases into the intron after coding-DNA position 1264, T replaced by C.
Molecular consequence: intron variant.
Genome position (GRCh38, 1-based): chr2:17,778,069, T>C. VCF-style: chr2-17778069-T-C. GRCh37 (hg19) VCF-style: chr2-17959336-T-C.
Other names: c.1264+6T>C (NM_182625.5).
Identifiers: ClinVar variation 1016925 (VCV001016925.8), dbSNP rs923324567, ClinGen allele CA43355888.

ClinVar aggregate classification (germline): Uncertain significance (1 of 4 stars; one submission).

Allele frequency attached by ClinVar (database versions not stated): gnomAD exomes below 0.00001; TOPMed below 0.00001; gnomAD 0.00001.
gnomAD v4.1: 8 of 1,560,078 alleles (0.00051%); highest among the groups gnomAD compares: Non-Finnish European, 0.00062%; no homozygotes.

Submission:

Labcorp Genetics (formerly Invitae), Labcorp
Classification: Uncertain significance. Last evaluated: 2025-11-03. Review status: criteria provided, single submitter. Criteria: Invitae Variant Classification Sherloc (09022015). Collection method: clinical testing. Allele origin: germline.
Comment: This sequence change falls in intron 12 of the GEN1 gene. It does not directly change the encoded amino acid sequence of the GEN1 protein. It affects a nucleotide within the consensus splice site. This variant is present in population databases (no rsID available, gnomAD 0.007%). This variant has not been reported in the literature in individuals affected with GEN1-related conditions. ClinVar contains an entry for this variant (Variation ID: 1016925). Variants that disrupt the consensus splice site are a relatively common cause of aberrant splicing (PMID: 17576681, 9536098). Algorithms developed to predict the effect of sequence changes on RNA splicing suggest that this variant may disrupt the consensus splice site. In summary, the available evidence is currently insufficient to determine the role of this variant in disease. Therefore, it has been classified as a Variant of Uncertain Significance.

Literature cited by the submitters: PubMed 17576681; PubMed 9536098.